The following is an entry in ClinVar:

NM_000077.5(CDKN2A):c.339_340delinsCT (p.Pro114Ser)

Gene: CDKN2A (cyclin dependent kinase inhibitor 2A; minus strand). Cytogenetic location: 9p21.3.
Variant type: Indel.
Coding change: c.339_340delinsCT on transcript NM_000077.5; coding-DNA positions 339 to 340, GC replaced by CT.
Protein change: p.Pro114Ser; replaces proline 114 with serine.
Molecular consequence: missense variant (on NM_000077.6). On other transcripts: 3 prime UTR variant (1).
Genome position (GRCh38, 1-based): chr9:21,971,019-21,971,020, GC replaced by AG on the plus strand (GC replaced by CT on the coding strand, the reverse complement: CDKN2A is on the minus strand). VCF-style: chr9-21971019-GC-AG. GRCh37 (hg19) VCF-style: chr9-21971018-GC-AG.
Other names: p.P114S:CCC>TCC; c.339_340delGCinsCT, p.Pro114Ser (NM_000077.6); c.339_340delinsCT, p.Pro114Ser (NM_001195132.2); c.186_187delinsCT, p.Pro63Ser (NM_001363763.2); c.382_383delinsCT, p.Ala128Leu (NM_058195.4); c.*262_*263delinsCT (NM_058197.5); short protein forms P114S, A128L, P63S.
Identifiers: ClinVar variation 9424 (VCV000009424.10), dbSNP rs387906410, ClinGen allele CA120406.
Genomic context (GRCh38, chr9:21,971,019, plus strand): 5'-CAGCCGCGCGCAGGTACCGTGCGACATCGCGATGGCCCAGCTCCTCAGCCAGGTCCACGG[GC>AG]AGACGGCCCCAGGCATCGCGCACGTCCAGCCGCGCCCCGGCCCGGTGCAGCACCACCAGC-3'
Protein context (NP_000068.1, residues 104-124): LDVRDAWGRL[Pro114Ser]VDLAEELGHR

ClinVar aggregate classification (germline): Conflicting classifications of pathogenicity. Review status: criteria provided, conflicting classifications (1 of 4 stars). 4 submissions from 4 submitters: Pathogenic (1); Uncertain significance (2). 1 of the submissions does not count toward it. Last evaluated 2025-08-22.

Conditions:
Familial melanoma. Also called: Hereditary melanoma; Hereditary cutaneous melanoma. Identifiers: Orphanet 618, MedGen C1512419, MONDO:0018961.
Hereditary cancer-predisposing syndrome. Also called: Neoplastic Syndromes, Hereditary; Tumor predisposition; Hereditary Cancer Syndrome; Hereditary neoplastic syndrome. Identifiers: Orphanet 140162, MedGen C0027672, MeSH D009386, MONDO:0015356.
Melanoma, cutaneous malignant, susceptibility to, 2 (CMM2). Also called: CDKN2A-Related Cutaneous Malignant Melanoma; Cutaneous malignant melanoma 2. Identifiers: Orphanet 618, MedGen C1835044, MONDO:0007964, OMIM 155601.

Submissions (4):

Ambry Genetics
Classification: Uncertain significance for Hereditary cancer-predisposing syndrome. Last evaluated: 2025-08-22. Review status: criteria provided, single submitter. Criteria: Ambry Variant Classification Scheme 2023. Collection method: clinical testing. Allele origin: germline.
Comment: The c.339_340delGCinsCT variant (also known as p.P114S), located in coding exon 2 of the CDKN2A gene, results from an in-frame deletion of GC and insertion of CT at nucleotide positions 339 to 340. This results in the substitution of the proline residue for a serine residue at codon 114, an amino acid with similar properties. Protein functional studies demonstrated that this alteration has an intermediate impact (Jenkins NC et al. J Invest Dermatol 2013 Apr;133(4):1043-51; Kannengiesser C et al. Hum Mutat 2009 Apr;30(4):564-74; Scaini MC et al. Hum Mutat 2014 Jul;35(7):828-40). This variant was reported in individual(s) with features consistent with melanoma-pancreatic cancer syndrome (Gensini F et al. Melanoma Res 2007 Dec;17(6):387-92; Kannengiesser C et al. Genes Chromosomes Cancer 2007 Aug;46(8):751-60; Auroy S et al. Genes Chromosomes Cancer 2001 Nov;32(3):195-202). In addition, this variant is predicted to be deleterious by in silico analysis (Choi Y et al. PLoS ONE. 2012; 7(10):e46688). Of note, this variant is also known as c.382_383delinsCT (p.Ala128Leu) in the p14(ARF) isoform. Based on the available evidence, the clinical significance of this variant remains unclear.

Labcorp Genetics (formerly Invitae), Labcorp
Classification: Uncertain significance for Familial melanoma. Last evaluated: 2024-03-06. Review status: criteria provided, single submitter. Criteria: Invitae Variant Classification Sherloc (09022015). Collection method: clinical testing. Allele origin: germline.
Comment: The CDKN2A gene encodes two different proteins, p16INK4a and p14ARF, which are translated from alternative transcripts with different open reading frames. Both transcripts have been analyzed. We report either the variant with the higher classification or default to the CDKN2A (p16INK4a) variant. This report therefore includes the details for the CDKN2A (p16INK4a) variant. This sequence change replaces proline, which is neutral and non-polar, with serine, which is neutral and polar, at codon 114 of the CDKN2A (p16INK4a) protein (p.Pro114Ser). Information on the frequency of this variant in the gnomAD database is not available, as this variant may be reported differently in the database. This missense change has been observed in individual(s) with melanoma (PMID: 17492760, 17992122, 21462282). This variant is also known as c.382_383delinsCT (p.Ala128Leu) in the CDKN2A (p14ARF) transcript. ClinVar contains an entry for this variant (Variation ID: 9424). Algorithms developed to predict the effect of variants on protein structure and function are not available or were not evaluated for this variant. Experimental studies are conflicting or provide insufficient evidence to determine the effect of this variant on CDKN2A (p16INK4a) function (PMID: 9053859, 19260062, 23190892, 24659262). In summary, the available evidence is currently insufficient to determine the role of this variant in disease. Therefore, it has been classified as a Variant of Uncertain Significance.

GeneDx
Classification: Pathogenic for Neoplastic Syndromes, Hereditary. Last evaluated: 2014-05-15. Review status: criteria provided, single submitter. Criteria: GeneDx Variant Classification (06012015). Collection method: clinical testing. Allele origin: germline. Affected: yes.
Comment: This variant is denoted c.339_340delGCinsCT at the cDNA level and p.Pro114Ser (P114S) at the protein level. The normal sequence with the bases that are deleted in braces followed by the inserted bases in brackets is: GTCT{delGC}[insCT]CCGT. The c.339_340delGCinsCT mutation in the CDKN2A gene has been reported previously in associationwith familial cutaneous malignant melanoma (Goldstein et al., 2006; Kannengeisser et al., 2007), and functional studies have shown that the resulting mutatnt protein has significantly reduced binding to CDK4 (Kannengeisser et al., 2009). The insertion and deletion result in the synonymous replacement of the normal Leucine codon (CTG) with a different Leucine codon (CTC) at amino acid position 113, and in the replacement of a Proline codon (CCC) with a Serine codon (TCC) at amino acid position 114. The NHLBI ESP Exome Variant Server reports c.339_340delGCinsCT was not observed in approximately 6,400 samples from individuals of European and African American backgrounds, indicating it is not a common benign variant in these populations. Therefore, weinterpret c.339_340delGCinsCT as a disease-causing mutation. The variant is found in CDKN2A panel(s).

OMIM
Classification: risk factor for MELANOMA, CUTANEOUS MALIGNANT, SUSCEPTIBILITY TO, 2. Last evaluated: 2007-08-01. Review status: no assertion criteria provided. Collection method: literature only. Allele origin: germline. Not counted in ClinVar's aggregate classification.

Literature cited by the submitters: PubMed 11579459 (cited by Ambry Genetics); PubMed 17492760 (cited by 3 submitters); PubMed 17992122 (cited by Ambry Genetics and Labcorp Genetics (formerly Invitae), Labcorp); PubMed 19260062 (cited by Ambry Genetics and Labcorp Genetics (formerly Invitae), Labcorp); PubMed 19708914 (cited by Ambry Genetics); PubMed 23190892 (cited by Ambry Genetics and Labcorp Genetics (formerly Invitae), Labcorp); PubMed 24659262 (cited by Ambry Genetics and Labcorp Genetics (formerly Invitae), Labcorp); PubMed 21462282 (cited by Labcorp Genetics (formerly Invitae), Labcorp); PubMed 9053859 (cited by Labcorp Genetics (formerly Invitae), Labcorp).